The following is an entry in ClinVar:

ClinVar aggregate classification (germline): Uncertain significance (1 of 4 stars; one submission).

Conditions:
Muscular dystrophy-dystroglycanopathy (congenital with impaired intellectual development), type B, 1. Also called: MUSCULAR DYSTROPHY, CONGENITAL, POMT1-RELATED; Muscular dystrophy-dystroglycanopathy (congenital with intellectual disability), type B1. Identifiers: MedGen C5436962, MONDO:0013159, OMIM 613155.
Walker-Warburg congenital muscular dystrophy. Also called: Muscular dystrophy-dystroglycanopathy, type A; Walker-Warburg syndrome. Identifiers: Orphanet 899, MedGen C0265221, MONDO:0000171.
Autosomal recessive limb-girdle muscular dystrophy type 2K. Also called: MUSCULAR DYSTROPHY-DYSTROGLYCANOPATHY (LIMB-GIRDLE), TYPE C, 1; MUSCULAR DYSTROPHY, LIMB-GIRDLE, TYPE 2K. Identifiers: Orphanet 86812, MedGen C1836373, MONDO:0012248, OMIM 609308.

Submission:

Labcorp Genetics (formerly Invitae), Labcorp
Classification: Uncertain significance for Muscular dystrophy-dystroglycanopathy (congenital with impaired intellectual development), type B, 1; Walker-Warburg congenital muscular dystrophy; Autosomal recessive limb-girdle muscular dystrophy type 2K. Last evaluated: 2024-08-08. Review status: criteria provided, single submitter. Criteria: Invitae Variant Classification Sherloc (09022015). Collection method: clinical testing. Allele origin: germline.
Comment: This sequence change replaces isoleucine, which is neutral and non-polar, with leucine, which is neutral and non-polar, at codon 351 of the POMT1 protein (p.Ile351Leu). This variant is not present in population databases (gnomAD no frequency). This variant has not been reported in the literature in individuals affected with POMT1-related conditions. An algorithm developed to predict the effect of missense changes on protein structure and function (PolyPhen-2) suggests that this variant is likely to be tolerated. Algorithms developed to predict the effect of sequence changes on RNA splicing suggest that this variant may disrupt the consensus splice site. In summary, the available evidence is currently insufficient to determine the role of this variant in disease. Therefore, it has been classified as a Variant of Uncertain Significance.

NM_001077365.2(POMT1):c.985A>C (p.Ile329Leu)

Gene: POMT1 (protein O-mannosyltransferase 1; plus strand). Cytogenetic location: 9q34.13.
Variant type: single nucleotide variant.
Coding change: c.985A>C on transcript NM_001077365.2 (MANE Select); coding-DNA position 985, A replaced by C.
Protein change: p.Ile329Leu; replaces isoleucine 329 with leucine.
Molecular consequence: missense variant. On other transcripts: non-coding transcript variant (10), 5 prime UTR variant (1).
Genome position (GRCh38, 1-based): chr9:131,511,466, A>C. VCF-style: chr9-131511466-A-C. GRCh37 (hg19) VCF-style: chr9-134386853-A-C.
Other names: c.634A>C, p.Ile212Leu (NM_001136114.2, NM_001353195.2, NM_001374691.1 and 1 more transcripts); c.1051A>C, p.Ile351Leu (NM_001353193.2, NM_007171.4); c.823A>C, p.Ile275Leu (NM_001353194.2, NM_001077366.2); c.889A>C, p.Ile297Leu (NM_001353197.2, NM_001353198.2); c.895A>C, p.Ile299Leu (NM_001353196.2); c.985A>C, p.Ile329Leu (NM_001136113.2, NM_001374690.1); c.700A>C, p.Ile234Leu (NM_001353199.2); c.529A>C, p.Ile177Leu (NM_001353200.2); and 4 more; short protein forms D323A, I177L, I199L, I212L, I234L, I275L, I297L, I299L.
Identifiers: ClinVar variation 3754415 (VCV003754415.2).
Genomic context (GRCh38, chr9:131,511,466, plus strand): 5'-AACGTCTTTGGGAAACCTGTGCCCTGCTGGCTTCATTCCCACCAGGACACCTACCCCATG[A>C]TGTAAGGTGATGGTTTTACTTTGAAGATAATTAAATGCTTTATTTGCTCGTAGATTTGCT-3'
Protein context (NP_001070833.1, residues 319-339): LHSHQDTYPM[Ile329Leu]YENGRGSSHQ